The following is an entry in ClinVar:

ClinVar aggregate classification (germline): Uncertain significance (1 of 4 stars; one submission).

Allele frequency attached by ClinVar (database versions not stated): gnomAD exomes below 0.00001; ExAC 0.00001; TOPMed 0.00001; gnomAD 0.00002.
gnomAD v4.1: 22 of 1,614,080 alleles (0.0014%); highest among the groups gnomAD compares: South Asian, 0.0066%; no homozygotes.

Submission:

Labcorp Genetics (formerly Invitae), Labcorp
Classification: Uncertain significance. Last evaluated: 2022-08-09. Review status: criteria provided, single submitter. Criteria: Invitae Variant Classification Sherloc (09022015). Collection method: clinical testing. Allele origin: germline.
Comment: In summary, the available evidence is currently insufficient to determine the role of this variant in disease. Therefore, it has been classified as a Variant of Uncertain Significance. Algorithms developed to predict the effect of missense changes on protein structure and function are either unavailable or do not agree on the potential impact of this missense change (SIFT: "Deleterious"; PolyPhen-2: "Benign"; Align-GVGD: "Class C0"). ClinVar contains an entry for this variant (Variation ID: 1446140). This variant has not been reported in the literature in individuals affected with UPB1-related conditions. This variant is present in population databases (rs773810336, gnomAD 0.01%). This sequence change replaces valine, which is neutral and non-polar, with methionine, which is neutral and non-polar, at codon 382 of the UPB1 protein (p.Val382Met).

NM_016327.3(UPB1):c.1144G>A (p.Val382Met)

Genes: UPB1 (beta-ureidopropionase 1; plus strand), LOC130067121 (ATAC-STARR-seq lymphoblastoid active region 18778; plus strand). Cytogenetic location: 22q11.23.
Variant type: single nucleotide variant.
Coding change: c.1144G>A on transcript NM_016327.3 (MANE Select); coding-DNA position 1144, G replaced by A.
Protein change: p.Val382Met; replaces valine 382 with methionine.
Molecular consequence: missense variant.
Genome position (GRCh38, 1-based): chr22:24,525,783, G>A. VCF-style: chr22-24525783-G-A. GRCh37 (hg19) VCF-style: chr22-24921751-G-A.
Other names: short protein forms V382M.
Identifiers: ClinVar variation 1446140 (VCV001446140.8), dbSNP rs773810336, ClinGen allele CA10153500.
Genomic context (GRCh38, chr22:24,525,783, plus strand): 5'-TATGAGATGTACGCACGGGAGCTCGCCGAAGCTGTCAAGTCCAACTACAGCCCCACCATC[G>A]TGAAAGAGTAGCCGGCTTCAGTGCCTGCCTTGGGGTGAGGAAGACACCTCTGCCCCAGTG-3'
Protein context (NP_057411.1, residues 372-384): AVKSNYSPTI[Val382Met]KE